The following is an entry in ClinVar:

ClinVar aggregate classification (germline): Uncertain significance (1 of 4 stars; one submission).

gnomAD v4.1: 57 of 1,614,132 alleles (0.0035%); highest among the groups gnomAD compares: Non-Finnish European, 0.0047%; no homozygotes.

Submission:

Labcorp Genetics (formerly Invitae), Labcorp
Classification: Uncertain significance. Last evaluated: 2025-06-03. Review status: criteria provided, single submitter. Criteria: Invitae Variant Classification Sherloc (09022015). Collection method: clinical testing. Allele origin: germline.
Comment: This sequence change replaces arginine, which is basic and polar, with glutamine, which is neutral and polar, at codon 464 of the P3H2 protein (p.Arg464Gln). This variant is present in population databases (rs537288155, gnomAD 0.006%). This variant has not been reported in the literature in individuals affected with P3H2-related conditions. Invitae Evidence Modeling of protein sequence and biophysical properties (such as structural, functional, and spatial information, amino acid conservation, physicochemical variation, residue mobility, and thermodynamic stability) indicates that this missense variant is expected to disrupt P3H2 protein function with a positive predictive value of 80%. In summary, the available evidence is currently insufficient to determine the role of this variant in disease. Therefore, it has been classified as a Variant of Uncertain Significance.

NM_018192.4(P3H2):c.1391G>A (p.Arg464Gln)

Gene: P3H2 (prolyl 3-hydroxylase 2; minus strand). Cytogenetic location: 3q28.
Variant type: single nucleotide variant.
Coding change: c.1391G>A on transcript NM_018192.4 (MANE Select); coding-DNA position 1391, G replaced by A.
Protein change: p.Arg464Gln; replaces arginine 464 with glutamine.
Molecular consequence: missense variant.
Genome position (GRCh38, 1-based): chr3:189,974,619, C>T on the plus strand (G>A on the coding strand, the complement: P3H2 is on the minus strand). VCF-style: chr3-189974619-C-T. GRCh37 (hg19) VCF-style: chr3-189692408-C-T.
Other names: c.848G>A, p.Arg283Gln (NM_001134418.2); short protein forms R283Q, R464Q.
Identifiers: ClinVar variation 4696161 (VCV004696161.1).
Genomic context (GRCh38, chr3:189,974,619, plus strand): 5'-CTGGCCACGCTGTGGAGCTCCCGGCACTGTTCTTCCGACAGGACGTTATCCAGGAGAACC[C>T]GCTGAGTCCCGTTCAGCTGCTCCGAGTTGTAGACGAATGTGATGTTCTCATAGAGTAGAG-3'
Protein context (NP_060662.2, residues 454-474): YNSEQLNGTQ[Arg464Gln]VLLDNVLSEE